The following is an entry in ClinVar:

ClinVar aggregate classification (germline): Uncertain significance (1 of 4 stars; one submission).

Submission:

GeneDx
Classification: Uncertain significance. Last evaluated: 2022-06-10. Review status: criteria provided, single submitter. Criteria: GeneDx Variant Classification Process June 2021. Collection method: clinical testing. Allele origin: germline. Affected: yes.
Comment: Not observed at significant frequency in large population cohorts (gnomAD); In silico analysis supports that this missense variant does not alter protein structure/function; Has not been previously published as pathogenic or benign to our knowledge

NM_000744.7(CHRNA4):c.1666C>A (p.Pro556Thr)

Gene: CHRNA4 (cholinergic receptor nicotinic alpha 4 subunit; minus strand). Cytogenetic location: 20q13.33.
Variant type: single nucleotide variant.
Coding change: c.1666C>A on transcript NM_000744.7 (MANE Select); coding-DNA position 1666, C replaced by A.
Protein change: p.Pro556Thr; replaces proline 556 with threonine.
Molecular consequence: missense variant. On other transcripts: non-coding transcript variant (1).
Genome position (GRCh38, 1-based): chr20:63,349,745, G>T on the plus strand (C>A on the coding strand, the complement: CHRNA4 is on the minus strand). VCF-style: chr20-63349745-G-T. GRCh37 (hg19) VCF-style: chr20-61981097-G-T.
Other names: c.1138C>A, p.Pro380Thr (NM_001256573.2); short protein forms P380T, P556T.
Identifiers: ClinVar variation 1803375 (VCV001803375.1), dbSNP rs890168894, ClinGen allele CA409632444.